The following is an entry in ClinVar:

NM_144999.4(LRRC45):c.433G>C (p.Ala145Pro)

Gene: LRRC45 (leucine rich repeat containing 45; plus strand). Cytogenetic location: 17q25.3.
Variant type: single nucleotide variant.
Coding change: c.433G>C on transcript NM_144999.4 (MANE Select); coding-DNA position 433, G replaced by C.
Protein change: p.Ala145Pro; replaces alanine 145 with proline.
Molecular consequence: missense variant.
Genome position (GRCh38, 1-based): chr17:82,025,079, G>C. VCF-style: chr17-82025079-G-C. GRCh37 (hg19) VCF-style: chr17-79982955-G-C.
Other names: c.433G>C (NM_144999.3); short protein forms A145P.
Identifiers: ClinVar variation 3120736 (VCV003120736.2), dbSNP rs761030181, ClinGen allele CA401538648.

ClinVar aggregate classification (germline): Uncertain significance. Review status: criteria provided, multiple submitters, no conflicts (2 of 4 stars). 2 submissions from 2 submitters: Uncertain significance (2). Last evaluated 2026-08-21.

Conditions:
LRRC45-related disorder. Also called: LRRC45-related condition.

gnomAD v4.1: 15 of 1,610,000 alleles (0.00093%); highest among the groups gnomAD compares: Non-Finnish European, 0.0013%; no homozygotes.

Submissions (2):

PreventionGenetics, part of Exact Sciences
Classification: Uncertain significance for LRRC45-related condition. Last evaluated: 2026-08-21. Review status: criteria provided, single submitter. Criteria: ACMG Guidelines, 2015. Collection method: clinical testing. Allele origin: germline.
Comment: The LRRC45 c.433G>C variant is predicted to result in the amino acid substitution p.Ala145Pro. To our knowledge, this variant has not been reported in the literature. This variant is reported in 0.0028% of alleles in individuals of European (Non-Finnish) descent in gnomAD. At this time, the clinical significance of this variant is uncertain due to the absence of conclusive functional and genetic evidence.

Ambry Genetics
Classification: Uncertain significance. Last evaluated: 2024-01-31. Review status: criteria provided, single submitter. Criteria: Ambry Variant Classification Scheme 2023. Collection method: clinical testing. Allele origin: germline.